The following is an entry in ClinVar:

NM_006593.4(TBR1):c.1223C>A (p.Thr408Asn)

Gene: TBR1 (T-box brain transcription factor 1; plus strand). Cytogenetic location: 2q24.2.
Variant type: single nucleotide variant.
Coding change: c.1223C>A on transcript NM_006593.4 (MANE Select); coding-DNA position 1223, C replaced by A.
Protein change: p.Thr408Asn; replaces threonine 408 with asparagine.
Molecular consequence: missense variant.
Genome position (GRCh38, 1-based): chr2:161,423,401, C>A. VCF-style: chr2-161423401-C-A. GRCh37 (hg19) VCF-style: chr2-162279912-C-A.
Other names: short protein forms T408N.
Identifiers: ClinVar variation 4998014 (VCV004998014.1).

ClinVar aggregate classification (germline): Uncertain significance (1 of 4 stars; one submission).

Conditions:
TBR1-related disorder. Also called: TBR1-related condition.

Submission:

PreventionGenetics, part of Exact Sciences
Classification: Uncertain significance for TBR1-related condition. Last evaluated: 2025-07-08. Review status: criteria provided, single submitter. Criteria: ACMG Guidelines, 2015. Collection method: clinical testing. Allele origin: germline.
Comment: The TBR1 c.1223C>A variant is predicted to result in the amino acid substitution p.Thr408Asn. To our knowledge, this variant has not been reported in the literature or in a large population database (gnomAD), indicating this variant is rare. At this time, the clinical significance of this variant is uncertain due to the absence of conclusive functional and genetic evidence.